The following is an entry in ClinVar:

NM_003482.4(KMT2D):c.5891C>T (p.Pro1964Leu)

Gene: KMT2D (lysine methyltransferase 2D; minus strand). Cytogenetic location: 12q13.12.
Variant type: single nucleotide variant.
Coding change: c.5891C>T on transcript NM_003482.4 (MANE Select); coding-DNA position 5891, C replaced by T.
Protein change: p.Pro1964Leu; replaces proline 1964 with leucine.
Molecular consequence: missense variant.
Genome position (GRCh38, 1-based): chr12:49,042,307, G>A on the plus strand (C>T on the coding strand, the complement: KMT2D is on the minus strand). VCF-style: chr12-49042307-G-A. GRCh37 (hg19) VCF-style: chr12-49436090-G-A.
Other names: short protein forms P1964L.
Identifiers: ClinVar variation 939594 (VCV000939594.10), dbSNP rs754358999, ClinGen allele CA6547401.
Genomic context (GRCh38, chr12:49,042,307, plus strand): 5'-GGGGTGGAGGGCGTGGTGCCACCTGAGCCCGTCCAGGGGCTGTCGGGCTCACCGGGTTCC[G>A]GGCTAAAGAAGCCCCCGCGCTCCCTGGGGCGCAGGGGCAGAGAGTCACAGGGCGCAGGGA-3'
Protein context (NP_003473.3, residues 1954-1974): DSRERGGFFS[Pro1964Leu]EPGEPDSPWT

ClinVar aggregate classification (germline): Conflicting classifications of pathogenicity. Review status: criteria provided, conflicting classifications (1 of 4 stars). 2 submissions from 2 submitters: Uncertain significance (1); Likely benign (1). Last evaluated 2026-03-30.

Conditions:
Kabuki syndrome. Also called: Kabuki make-up syndrome; NIIKAWA-KUROKI SYNDROME. Identifiers: Orphanet 2322, MedGen C0796004, MONDO:0016512.
KMT2D-related disorder. Also called: KMT2D-Related Disorders.

Allele frequency attached by ClinVar (database versions not stated): gnomAD exomes 0.00002; TOPMed 0.00002; gnomAD 0.00003; ExAC 0.00010.
gnomAD v4.1: 31 of 1,551,052 alleles (0.002%); highest among the groups gnomAD compares: Non-Finnish European, 0.0024%; no homozygotes.

Submissions (2):

PreventionGenetics, part of Exact Sciences
Classification: Uncertain significance for KMT2D-related condition. Last evaluated: 2026-03-30. Review status: criteria provided, single submitter. Criteria: ACMG Guidelines, 2015. Collection method: clinical testing. Allele origin: germline.
Comment: The KMT2D c.5891C>T variant is predicted to result in the amino acid substitution p.Pro1964Leu. This variant was reported in an individual with Chromatinopathy (Kerkhof et al. 2022. PubMed ID: 34906459). This variant is reported in 0.0058% of alleles in individuals of African descent in gnomAD. Although we suspect that this variant may be benign, at this time, the clinical significance of this variant is uncertain due to the absence of conclusive functional and genetic evidence.

Labcorp Genetics (formerly Invitae), Labcorp
Classification: Likely benign for Kabuki syndrome. Last evaluated: 2025-09-10. Review status: criteria provided, single submitter. Criteria: Invitae Variant Classification Sherloc (09022015). Collection method: clinical testing. Allele origin: germline.